The following is an entry in ClinVar:

ClinVar aggregate classification (germline): Uncertain significance (1 of 4 stars; one submission).

Submission:

Women's Health and Genetics/Laboratory Corporation of America, LabCorp
Classification: Uncertain significance. Last evaluated: 2025-01-22. Review status: criteria provided, single submitter. Criteria: LabCorp Variant Classification Summary - May 2015. Collection method: clinical testing. Allele origin: germline.
Comment: Variant summary: DRD4 c.664T>C (p.Trp222Arg) results in a non-conservative amino acid change in the encoded protein sequence. Three of five in-silico tools predict a benign effect of the variant on protein function. The variant was absent in 200352 control chromosomes. The available data on variant occurrences in the general population are insufficient to allow any conclusion about variant significance. To our knowledge, no occurrence of c.664T>C in individuals affected with DRD4-Related Disorders and no experimental evidence demonstrating its impact on protein function have been reported. No submitters have cited clinical-significance assessments for this variant to ClinVar. Based on the evidence outlined above, the variant was classified as uncertain significance.

NM_000797.4(DRD4):c.664T>C (p.Trp222Arg)

Gene: DRD4 (dopamine receptor D4; plus strand). Cytogenetic location: 11p15.5.
Variant type: single nucleotide variant.
Coding change: c.664T>C on transcript NM_000797.4 (MANE Select); coding-DNA position 664, T replaced by C.
Protein change: p.Trp222Arg; replaces tryptophan 222 with arginine.
Molecular consequence: missense variant.
Genome position (GRCh38, 1-based): chr11:639,913, T>C. VCF-style: chr11-639913-T-C. GRCh37 (hg19) VCF-style: chr11-639913-T-C.
Other names: short protein forms W222R.
Identifiers: ClinVar variation 3769487 (VCV003769487.2).
Genomic context (GRCh38, chr11:639,913, plus strand): 5'-TTCCTACCCTGCCCGCTCATGCTGCTGCTCTACTGGGCCACGTTCCGCGGCCTGCAGCGC[T>C]GGGAGGTGGCACGTCGCGCCAAGCTGCACGGCCGCGCGCCCCGCCGACCCAGCGGCCCTG-3'
Protein context (NP_000788.2, residues 212-232): YWATFRGLQR[Trp222Arg]EVARRAKLHG